The following is an entry in ClinVar:

NM_001377142.1(PLCB4):c.2765-6_2765-3del

Gene: PLCB4 (phospholipase C beta 4; plus strand). Cytogenetic location: 20p12.2.
Variant type: Microsatellite.
Coding change: c.2765-6_2765-3del on transcript NM_001377142.1 (MANE Select); 6 bases into the intron before coding-DNA position 2765 through 3 bases into the intron before coding-DNA position 2765, 4 bases deleted (GTTT; older notation c.2765-6_2765-3delGTTT).
Molecular consequence: intron variant.
Genome position (GRCh38, 1-based): chr20:9,443,975-9,443,978, GTTT deleted; deleting any 4 consecutive bases within chr20:9,443,968-9,443,978 gives the same sequence; the c. name uses the placement nearest the transcript's 3' end. VCF-style (leftmost placement, unchanged base first): chr20-9443967-TTTTG-T. GRCh37 (hg19) VCF-style: chr20-9424614-TTTTG-T.
Other names: c.2729-6_2729-3del (NM_001377134.2, NM_000933.4, NM_182797.3 and 2 more transcripts); c.2765-6_2765-3del (NM_001377143.1, NM_001172646.2).
Identifiers: ClinVar variation 4846890 (VCV004846890.1).

ClinVar aggregate classification (germline): Uncertain significance (1 of 4 stars; one submission).

Conditions:
Auriculocondylar syndrome 2 (ARCND2A). Also called: AURICULOCONDYLAR SYNDROME 2A. Identifiers: Orphanet 137888, MedGen C3553404, MONDO:0013845, OMIM 614669.

Submission:

Laboratorio de Genetica e Diagnostico Molecular, Hospital Israelita Albert Einstein
Classification: Uncertain significance for Auriculocondylar syndrome 2. Last evaluated: 2025-11-12. Review status: criteria provided, single submitter. Criteria: ACMG Guidelines, 2015. Collection method: clinical testing. Allele origin: germline. Affected: yes.
Comment: ACMG classification criteria: PM2 supporting, BP4 supporting